The following is an entry in ClinVar:

NM_000553.6(WRN):c.4007G>T (p.Arg1336Ile)

Gene: WRN (WRN RecQ like helicase; plus strand). Cytogenetic location: 8p12.
Variant type: single nucleotide variant.
Coding change: c.4007G>T on transcript NM_000553.6 (MANE Select); coding-DNA position 4007, G replaced by T.
Protein change: p.Arg1336Ile; replaces arginine 1336 with isoleucine.
Molecular consequence: missense variant.
Genome position (GRCh38, 1-based): chr8:31,167,046, G>T. VCF-style: chr8-31167046-G-T. GRCh37 (hg19) VCF-style: chr8-31024562-G-T.
Other names: short protein forms R1336I.
Identifiers: ClinVar variation 2113248 (VCV002113248.4), dbSNP rs1199403170, ClinGen allele CA370908577.

ClinVar aggregate classification (germline): Uncertain significance (1 of 4 stars; one submission).

Conditions:
Werner syndrome (WRN). Identifiers: Orphanet 902, MedGen C0043119, MONDO:0010196, OMIM 277700.

Submission:

Labcorp Genetics (formerly Invitae), Labcorp
Classification: Uncertain significance for Werner syndrome. Last evaluated: 2022-03-17. Review status: criteria provided, single submitter. Criteria: Invitae Variant Classification Sherloc (09022015). Collection method: clinical testing. Allele origin: germline.
Comment: In summary, the available evidence is currently insufficient to determine the role of this variant in disease. Therefore, it has been classified as a Variant of Uncertain Significance. Algorithms developed to predict the effect of missense changes on protein structure and function are either unavailable or do not agree on the potential impact of this missense change (SIFT: "Not Available"; PolyPhen-2: "Probably Damaging"; Align-GVGD: "Not Available"). This variant has not been reported in the literature in individuals affected with WRN-related conditions. This variant is not present in population databases (gnomAD no frequency). This sequence change replaces arginine, which is basic and polar, with isoleucine, which is neutral and non-polar, at codon 1336 of the WRN protein (p.Arg1336Ile).